The following is an entry in ClinVar:

ClinVar aggregate classification (germline): Likely pathogenic (1 of 4 stars; one submission).

Conditions:
Arrhythmogenic right ventricular dysplasia 11. Also called: ARRHYTHMOGENIC RIGHT VENTRICULAR DYSPLASIA, FAMILIAL, 11; Arrhythmogenic Right Ventricular Dysplasia/Cardiomyopathy11; Arrhythmogenic right ventricular dysplasia 11 with mild palmoplantar keratoderma and woolly hair. Identifiers: MedGen C1864850, MONDO:0012506, OMIM 610476.

Submission:

Labcorp Genetics (formerly Invitae), Labcorp
Classification: Likely pathogenic for Arrhythmogenic right ventricular dysplasia 11. Last evaluated: 2024-06-24. Review status: criteria provided, single submitter. Criteria: Invitae Variant Classification Sherloc (09022015). Collection method: clinical testing. Allele origin: germline.
Comment: This sequence change affects a donor splice site in intron 7 of the DSC2 gene. It is expected to disrupt RNA splicing. Variants that disrupt the donor or acceptor splice site typically lead to a loss of protein function (PMID: 16199547), and loss-of-function variants in DSC2 are known to be pathogenic (PMID: 23911551). This variant is not present in population databases (gnomAD no frequency). This variant has not been reported in the literature in individuals affected with DSC2-related conditions. Algorithms developed to predict the effect of sequence changes on RNA splicing suggest that this variant may disrupt the consensus splice site. In summary, the currently available evidence indicates that the variant is pathogenic, but additional data are needed to prove that conclusively. Therefore, this variant has been classified as Likely Pathogenic.

Literature cited by the submitters: PubMed 16199547; PubMed 23911551.

NM_024422.6(DSC2):c.942+1G>A

Gene: DSC2 (desmocollin 2; minus strand). Cytogenetic location: 18q12.1.
Variant type: single nucleotide variant.
Coding change: c.942+1G>A on transcript NM_024422.6 (MANE Select); the canonical splice donor site of the intron after coding-DNA position 942, G replaced by A.
Molecular consequence: splice donor variant.
Genome position (GRCh38, 1-based): chr18:31,086,575, C>T on the plus strand (G>A on the coding strand, the complement: DSC2 is on the minus strand). VCF-style: chr18-31086575-C-T. GRCh37 (hg19) VCF-style: chr18-28666538-C-T.
Other names: c.942+1G>A (NM_004949.5); c.513+1G>A (NM_001406506.1, NM_001406507.1).
Identifiers: ClinVar variation 3676022 (VCV003676022.2).